The following is an entry in ClinVar:

ClinVar aggregate classification (germline): Uncertain significance. Review status: criteria provided, multiple submitters, no conflicts (2 of 4 stars). 2 submissions from 2 submitters: Uncertain significance (2). Last evaluated 2025-03-05.

Allele frequency attached by ClinVar (database versions not stated): TOPMed 0.00002; ExAC 0.00003; gnomAD 0.00004; gnomAD exomes 0.00005.
gnomAD v4.1: 73 of 1,608,646 alleles (0.0045%); highest among the groups gnomAD compares: Non-Finnish European, 0.0059%; no homozygotes.

Submissions (2):

Labcorp Genetics (formerly Invitae), Labcorp
Classification: Uncertain significance. Last evaluated: 2025-03-05. Review status: criteria provided, single submitter. Criteria: Invitae Variant Classification Sherloc (09022015). Collection method: clinical testing. Allele origin: germline.
Comment: This sequence change replaces serine, which is neutral and polar, with asparagine, which is neutral and polar, at codon 109 of the FGFRL1 protein (p.Ser109Asn). This variant is present in population databases (rs746021134, gnomAD 0.007%). This variant has not been reported in the literature in individuals affected with FGFRL1-related conditions. ClinVar contains an entry for this variant (Variation ID: 3094820). An algorithm developed to predict the effect of missense changes on protein structure and function (PolyPhen-2) suggests that this variant is likely to be tolerated. In summary, the available evidence is currently insufficient to determine the role of this variant in disease. Therefore, it has been classified as a Variant of Uncertain Significance.

Ambry Genetics
Classification: Uncertain significance. Last evaluated: 2022-07-13. Review status: criteria provided, single submitter. Criteria: Ambry Variant Classification Scheme 2023. Collection method: clinical testing. Allele origin: germline.

NM_001004356.3(FGFRL1):c.326G>A (p.Ser109Asn)

Gene: FGFRL1 (fibroblast growth factor receptor like 1; plus strand). Cytogenetic location: 4p16.3.
Variant type: single nucleotide variant.
Coding change: c.326G>A on transcript NM_001004356.3 (MANE Select); coding-DNA position 326, G replaced by A.
Protein change: p.Ser109Asn; replaces serine 109 with asparagine.
Molecular consequence: missense variant.
Genome position (GRCh38, 1-based): chr4:1,022,449, G>A. VCF-style: chr4-1022449-G-A. GRCh37 (hg19) VCF-style: chr4-1016237-G-A.
Other names: c.326G>A, p.Ser109Asn (NM_001004358.1, NM_001370296.1, NM_021923.3); short protein forms S109N.
Identifiers: ClinVar variation 3094820 (VCV003094820.2), dbSNP rs746021134, ClinGen allele CA2802646.